The following is an entry in ClinVar:

ClinVar aggregate classification (germline): Uncertain significance (1 of 4 stars; one submission).

gnomAD v4.1: 6 of 1,613,920 alleles (0.00037%); highest among the groups gnomAD compares: Admixed American, 0.01%; no homozygotes.

Submission:

Labcorp Genetics (formerly Invitae), Labcorp
Classification: Uncertain significance. Last evaluated: 2022-03-19. Review status: criteria provided, single submitter. Criteria: Invitae Variant Classification Sherloc (09022015). Collection method: clinical testing. Allele origin: germline.
Comment: This sequence change replaces arginine, which is basic and polar, with proline, which is neutral and non-polar, at codon 662 of the ITGB3 protein (p.Arg662Pro). This variant is present in population databases (no rsID available, gnomAD 0.009%). This variant has not been reported in the literature in individuals affected with ITGB3-related conditions. Algorithms developed to predict the effect of missense changes on protein structure and function are either unavailable or do not agree on the potential impact of this missense change (SIFT: "Tolerated"; PolyPhen-2: "Probably Damaging"; Align-GVGD: "Class C0"). In summary, the available evidence is currently insufficient to determine the role of this variant in disease. Therefore, it has been classified as a Variant of Uncertain Significance.

NM_000212.3(ITGB3):c.1985G>C (p.Arg662Pro)

Gene: ITGB3 (integrin subunit beta 3; plus strand). Cytogenetic location: 17q21.32.
Variant type: single nucleotide variant.
Coding change: c.1985G>C on transcript NM_000212.3 (MANE Select); coding-DNA position 1985, G replaced by C.
Protein change: p.Arg662Pro; replaces arginine 662 with proline.
Molecular consequence: missense variant.
Genome position (GRCh38, 1-based): chr17:47,300,549, G>C. VCF-style: chr17-47300549-G-C. GRCh37 (hg19) VCF-style: chr17-45377915-G-C.
Other names: short protein forms R662P.
Identifiers: ClinVar variation 2173228 (VCV002173228.1), dbSNP rs369443204, ClinGen allele CA400032994.